The following is an entry in ClinVar:

ClinVar aggregate classification (germline): Uncertain significance (1 of 4 stars; one submission).

Conditions:
Arthrogryposis, distal, with impaired proprioception and touch (DAIPT). Identifiers: MedGen C4310692, MONDO:0014941, OMIM 617146.

Submission:

MVZ Medizinische Genetik Mainz
Classification: Uncertain significance for Arthrogryposis, distal, with impaired proprioception and touch. Last evaluated: 2025-04-08. Review status: criteria provided, single submitter. Criteria: UK Practice Guidelines For Variant Classification V4 01 2020. Collection method: clinical testing. Allele origin: germline. Inheritance: Autosomal recessive inheritance. Affected: yes. Observed: 1 variant allele.
Comment: ACMG Criteria: PM2_SUP,PP2,PP3

NM_001378183.1(PIEZO2):c.4325T>G (p.Ile1442Arg)

Gene: PIEZO2 (piezo type mechanosensitive ion channel component 2; minus strand). Cytogenetic location: 18p11.22.
Variant type: single nucleotide variant.
Coding change: c.4325T>G on transcript NM_001378183.1 (MANE Select); coding-DNA position 4325, T replaced by G.
Protein change: p.Ile1442Arg; replaces isoleucine 1442 with arginine.
Molecular consequence: missense variant.
Genome position (GRCh38, 1-based): chr18:10,748,570, A>C on the plus strand (T>G on the coding strand, the complement: PIEZO2 is on the minus strand). VCF-style: chr18-10748570-A-C. GRCh37 (hg19) VCF-style: chr18-10748568-A-C.
Other names: c.4325T>G, p.Ile1442Arg (NM_001410871.1); c.4250T>G, p.Ile1417Arg (NM_022068.4); short protein forms I1417R, I1442R.
Identifiers: ClinVar variation 3894541 (VCV003894541.1).